The following is an entry in ClinVar:

NM_001015880.2(PAPSS2):c.341G>C (p.Gly114Ala)

Gene: PAPSS2 (3'-phosphoadenosine 5'-phosphosulfate synthase 2; plus strand). Cytogenetic location: 10q23.31.
Variant type: single nucleotide variant.
Coding change: c.341G>C on transcript NM_001015880.2 (MANE Select); coding-DNA position 341, G replaced by C.
Protein change: p.Gly114Ala; replaces glycine 114 with alanine.
Molecular consequence: missense variant.
Genome position (GRCh38, 1-based): chr10:87,713,270, G>C. VCF-style: chr10-87713270-G-C. GRCh37 (hg19) VCF-style: chr10-89473027-G-C.
Other names: c.341G>C, p.Gly114Ala (NM_004670.4); c.341G>C (NM_004670.3); short protein forms G114A.
Identifiers: ClinVar variation 1024635 (VCV001024635.11), dbSNP rs367585217, ClinGen allele CA5589399.

ClinVar aggregate classification (germline): Uncertain significance. Review status: criteria provided, multiple submitters, no conflicts (2 of 4 stars). 2 submissions from 2 submitters: Uncertain significance (2). Last evaluated 2025-10-29.

Conditions:
Spondyloepimetaphyseal dysplasia, PAPSS2 type. Also called: SEMD, PAKISTANI TYPE; BRACHYOLMIA TYPE 4 WITH MILD EPIPHYSEAL AND METAPHYSEAL CHANGES; SPONDYLODYSPLASIA AND PREMATURE PUBARCHE. Identifiers: Orphanet 93282, MedGen C2748516, MONDO:0019666, OMIM 612847.
Inborn genetic diseases. Identifiers: MedGen C0950123, MeSH D030342.

Allele frequency attached by ClinVar (database versions not stated): gnomAD exomes below 0.00001; ExAC 0.00001; gnomAD 0.00001; ESP Exome Variant Server 0.00008.
gnomAD v4.1: 19 of 1,556,946 alleles (0.0012%); highest among the groups gnomAD compares: East Asian, 0.024%; no homozygotes.

Submissions (2):

Ambry Genetics
Classification: Uncertain significance for Inborn genetic diseases. Last evaluated: 2025-10-29. Review status: criteria provided, single submitter. Criteria: Ambry Variant Classification Scheme 2023. Collection method: clinical testing. Allele origin: germline.

Labcorp Genetics (formerly Invitae), Labcorp
Classification: Uncertain significance for Spondyloepimetaphyseal dysplasia, PAPSS2 type. Last evaluated: 2020-03-20. Review status: criteria provided, single submitter. Criteria: Invitae Variant Classification Sherloc (09022015). Collection method: clinical testing. Allele origin: germline.
Comment: This sequence change replaces glycine with alanine at codon 114 of the PAPSS2 protein (p.Gly114Ala). The glycine residue is highly conserved and there is a small physicochemical difference between glycine and alanine. This variant is present in population databases (rs367585217, ExAC 0.002%). This variant has not been reported in the literature in individuals with PAPSS2-related conditions. Algorithms developed to predict the effect of missense changes on protein structure and function are either unavailable or do not agree on the potential impact of this missense change (SIFT: "Deleterious"; PolyPhen-2: "Probably Damaging"; Align-GVGD: "Class C0"). In summary, the available evidence is currently insufficient to determine the role of this variant in disease. Therefore, it has been classified as a Variant of Uncertain Significance.